The following is an entry in ClinVar:

NM_014049.5(ACAD9):c.808+2T>C

Gene: ACAD9 (acyl-CoA dehydrogenase family member 9; plus strand). Cytogenetic location: 3q21.3.
Variant type: single nucleotide variant.
Coding change: c.808+2T>C on transcript NM_014049.5 (MANE Select); the canonical splice donor site of the intron after coding-DNA position 808, T replaced by C.
Molecular consequence: splice donor variant.
Genome position (GRCh38, 1-based): chr3:128,899,463, T>C. VCF-style: chr3-128899463-T-C. GRCh37 (hg19) VCF-style: chr3-128618306-T-C.
Other names: c.439+2T>C (NM_001410805.1).
Identifiers: ClinVar variation 1471462 (VCV001471462.6), dbSNP rs1370216607, ClinGen allele CA354434946.
Genomic context (GRCh38, chr3:128,899,463, plus strand): 5'-CTTTGGTGGAGTCACTAATGGGAAACCCGAAGATAAATTAGGCATTCGGGGCTCCAACAG[T>C]AAGTAGCTCCTGTGCGCGCGTGCGCGTGTGTGTGTGTAAGGGGGAGACTGGCCTTTGACG-3'

ClinVar aggregate classification (germline): Likely pathogenic (1 of 4 stars; one submission).

Allele frequency attached by ClinVar (database versions not stated): gnomAD exomes below 0.00001.
gnomAD v4.1: 2 of 1,613,836 alleles (0.00012%); highest among the groups gnomAD compares: Non-Finnish European, 0.000085%; no homozygotes.

Submission:

Labcorp Genetics (formerly Invitae), Labcorp
Classification: Likely pathogenic. Last evaluated: 2021-08-12. Review status: criteria provided, single submitter. Criteria: Invitae Variant Classification Sherloc (09022015). Collection method: clinical testing. Allele origin: germline.
Comment: This sequence change affects a donor splice site in intron 7 of the ACAD9 gene. It is expected to disrupt RNA splicing. Variants that disrupt the donor or acceptor splice site typically lead to a loss of protein function (PMID: 16199547), and loss-of-function variants in ACAD9 are known to be pathogenic (PMID: 25721401). In summary, the currently available evidence indicates that the variant is pathogenic, but additional data are needed to prove that conclusively. Therefore, this variant has been classified as Likely Pathogenic. Algorithms developed to predict the effect of sequence changes on RNA splicing suggest that this variant may disrupt the consensus splice site. This variant has not been reported in the literature in individuals affected with ACAD9-related conditions. This variant is not present in population databases (ExAC no frequency).

Literature cited by the submitters: PubMed 16199547; PubMed 25721401.